The following is an entry in ClinVar:

ClinVar aggregate classification (germline): Benign/Likely benign. Review status: criteria provided, multiple submitters, no conflicts (2 of 4 stars). 2 submissions from 2 submitters: Benign (1); Likely benign (1). Last evaluated 2026-04-01.

Conditions:
Spermatogenic failure 18. Identifiers: MedGen C4539783, MONDO:0054615, OMIM 617576.
Ciliary dyskinesia, primary, 37 (CILD37). Also called: CILIARY DYSKINESIA, PRIMARY, 37, WITH OR WITHOUT SITUS INVERSUS. Identifiers: MedGen C4539798, MONDO:0033204, OMIM 617577.

Allele frequency attached by ClinVar (database versions not stated): 1000 Genomes Project 30x 0.00016; gnomAD 0.00016 and 0.00017; gnomAD exomes 0.00017 and 0.00092; 1000 Genomes Project 0.00020; TOPMed 0.00044; ExAC 0.00070.
gnomAD v4.1: 268 of 1,613,886 alleles (0.017%); highest among the groups gnomAD compares: Admixed American, 0.41%; 1 homozygote.

Submissions (2):

CeGaT Center for Human Genetics Tuebingen
Classification: Likely benign. Last evaluated: 2026-04-01. Review status: criteria provided, single submitter. Criteria: CeGaT Center For Human Genetics Tuebingen Variant Classification Criteria Version 2. Collection method: clinical testing. Allele origin: germline. Affected: yes. Observed: 1 variant allele.
Comment: DNAH1: BP4, BP7

Labcorp Genetics (formerly Invitae), Labcorp
Classification: Benign for Ciliary dyskinesia, primary, 37; Spermatogenic failure 18. Last evaluated: 2026-01-23. Review status: criteria provided, single submitter. Criteria: Invitae Variant Classification Sherloc (09022015). Collection method: clinical testing. Allele origin: germline.

NM_015512.5(DNAH1):c.11055C>T (p.Ala3685=)

Gene: DNAH1 (dynein axonemal heavy chain 1; plus strand). Cytogenetic location: 3p21.1.
Variant type: single nucleotide variant.
Coding change: c.11055C>T on transcript NM_015512.5 (MANE Select); coding-DNA position 11055, C replaced by T.
Protein change: p.Ala3685=; no amino-acid change (alanine 3685 retained).
Molecular consequence: synonymous variant.
Genome position (GRCh38, 1-based): chr3:52,395,394, C>T. VCF-style: chr3-52395394-C-T. GRCh37 (hg19) VCF-style: chr3-52429410-C-T.
Identifiers: ClinVar variation 478394 (VCV000478394.12), dbSNP rs180952807, ClinGen allele CA2436047.
Genomic context (GRCh38, chr3:52,395,394, plus strand): 5'-AGACTCCAACTCCACCACACCCCTCATCTTTGTGCTGTCACCCGGCACAGACCCTGCTGC[C>T]GACCTCTACAAGTTTGCCGAAGAAATGAAGTTCTCCAAAAAGCTCTCTGCCATCTCCCTG-3'
Protein context (NP_056327.4, residues 3675-3695): FVLSPGTDPA[Ala3685=]DLYKFAEEMK